The following is an entry in ClinVar:

NM_000092.5(COL4A4):c.1029+7A>G

Gene: COL4A4 (collagen type IV alpha 4 chain; minus strand). Cytogenetic location: 2q36.3.
Variant type: single nucleotide variant.
Coding change: c.1029+7A>G on transcript NM_000092.5 (MANE Select); 7 bases into the intron after coding-DNA position 1029, A replaced by G.
Molecular consequence: intron variant.
Genome position (GRCh38, 1-based): chr2:227,101,497, T>C on the plus strand (A>G on the coding strand, the complement: COL4A4 is on the minus strand). VCF-style: chr2-227101497-T-C. GRCh37 (hg19) VCF-style: chr2-227966213-T-C.
Identifiers: ClinVar variation 3256901 (VCV003256901.1).
Genomic context (GRCh38, chr2:227,101,497, plus strand): 5'-AATAAATTAGATAATATTAAGGATATAAACTTTTATCAGGATATATTAAAATAGGCTCAC[T>C]TTTTACCTTTGGGCCAATTAATCCAAATAGCCCAGGATCTCCAACCAGTCCTAGTTCTCC-3'

ClinVar aggregate classification (germline): Uncertain significance (1 of 4 stars; one submission).

Conditions:
Autosomal recessive Alport syndrome (ATS2). Also called: ALPORT SYNDROME 2, AUTOSOMAL RECESSIVE; COL4A3-Related Nephropathy; COL4A4 Alport Syndrome and Thin Basement Membrane Nephropathy; Alport syndrome type 2. Identifiers: Orphanet 63, Orphanet 88919, MedGen C4746745, MONDO:0008762, OMIM 203780.

Submission:

MVZ Medizinische Genetik Mainz
Classification: Uncertain significance for Autosomal recessive Alport syndrome. Last evaluated: 2024-07-02. Review status: criteria provided, single submitter. Criteria: UK Practice Guidelines For Variant Classification V4 01 2020. Collection method: clinical testing. Allele origin: germline. Inheritance: Autosomal dominant inheritance. Affected: yes. Observed: 1 variant allele.
Comment: ACMG Criteria: PM2_SUP,PP3,PP4